The following is an entry in ClinVar:

NM_007289.4(MME):c.1535T>A (p.Ile512Asn)

Gene: MME (membrane metalloendopeptidase; plus strand). Cytogenetic location: 3q25.2.
Variant type: single nucleotide variant.
Coding change: c.1535T>A on transcript NM_007289.4 (MANE Select); coding-DNA position 1535, T replaced by A.
Protein change: p.Ile512Asn; replaces isoleucine 512 with asparagine.
Molecular consequence: missense variant.
Genome position (GRCh38, 1-based): chr3:155,148,587, T>A. VCF-style: chr3-155148587-T-A. GRCh37 (hg19) VCF-style: chr3-154866376-T-A.
Other names: c.1535T>A, p.Ile512Asn (NM_000902.5, NM_001354642.2, NM_001354643.1 and 2 more transcripts); c.1535T>A (NM_007289.2); short protein forms I512N.
Identifiers: ClinVar variation 4525761 (VCV004525761.2).

ClinVar aggregate classification (germline): Uncertain significance. Review status: criteria provided, multiple submitters, no conflicts (2 of 4 stars). 2 submissions from 2 submitters: Uncertain significance (2). Last evaluated 2026-07-02.

Conditions:
Inborn genetic diseases. Identifiers: MedGen C0950123, MeSH D030342.

gnomAD v4.1: 2 of 1,612,322 alleles (0.00012%); highest among the groups gnomAD compares: African/African-American, 0.0027%; no homozygotes.

Submissions (2):

Ambry Genetics
Classification: Uncertain significance for Inborn genetic diseases. Last evaluated: 2026-07-02. Review status: criteria provided, single submitter. Criteria: Ambry Variant Classification Scheme 2023. Collection method: clinical testing. Allele origin: germline.
Comment: The c.1535T>A (p.I512N) alteration is located in exon 16 (coding exon 15) of the MME gene. This alteration results from a T to A substitution at nucleotide position 1535, causing the isoleucine (I) at amino acid position 512 to be replaced by an asparagine (N). Based on data from gnomAD, the A allele has an overall frequency of <0.001% (1/250936) total alleles studied. The highest observed frequency was 0.006% (1/16226) of African alleles. Based on insufficient or conflicting evidence, the clinical significance of this alteration remains unclear.

Women's Health and Genetics/Laboratory Corporation of America, LabCorp
Classification: Uncertain significance. Last evaluated: 2025-07-21. Review status: criteria provided, single submitter. Criteria: LabCorp Variant Classification Summary - May 2015. Collection method: clinical testing. Allele origin: germline.
Comment: Variant summary: MME c.1535T>A (p.Ile512Asn) results in a non-conservative amino acid change in the encoded protein sequence. Algorithms developed to predict the effect of missense changes on protein structure and function all suggest that this variant is likely to be disruptive. The variant allele was found at a frequency of 4e-06 in 250936 control chromosomes. The available data on variant occurrences in the general population are insufficient to allow any conclusion about variant significance. To our knowledge, no occurrence of c.1535T>A in individuals affected with Charcot-Marie-Tooth disease, axonal, type 2T-AR and no experimental evidence demonstrating its impact on protein function have been reported. No submitters have cited clinical-significance assessments for this variant to ClinVar. Based on the evidence outlined above, the variant was classified as uncertain significance.